The following is an entry in ClinVar:

NM_000287.4(PEX6):c.1724G>T (p.Arg575Leu)

Gene: PEX6 (peroxisomal biogenesis factor 6; minus strand). Cytogenetic location: 6p21.1.
Variant type: single nucleotide variant.
Coding change: c.1724G>T on transcript NM_000287.4 (MANE Select); coding-DNA position 1724, G replaced by T.
Protein change: p.Arg575Leu; replaces arginine 575 with leucine.
Molecular consequence: missense variant. On other transcripts: non-coding transcript variant (1).
Genome position (GRCh38, 1-based): chr6:42,967,528, C>A on the plus strand (G>T on the coding strand, the complement: PEX6 is on the minus strand). VCF-style: chr6-42967528-C-A. GRCh37 (hg19) VCF-style: chr6-42935266-C-A.
Other names: c.1460G>T, p.Arg487Leu (NM_001316313.2); short protein forms R575L, R487L.
Identifiers: ClinVar variation 2153047 (VCV002153047.1), dbSNP rs754034834, ClinGen allele CA364153843.
Genomic context (GRCh38, chr6:42,967,528, plus strand): 5'-GCAGGCACCTCGAGCTCATGAGGAAATGCTGTCTGCACATCAGCAGGCAGGTCCTGGGCC[C>A]GGCTTGTGGTGGCCACAACCATGAGGGGAGGGCAGCTGCAGACAGAGGAGTGGGCACTGA-3'
Protein context (NP_000278.3, residues 565-585): PPLMVVATTS[Arg575Leu]AQDLPADVQT

ClinVar aggregate classification (germline): Uncertain significance (1 of 4 stars; one submission).

Conditions:
Peroxisome biogenesis disorder. Identifiers: Orphanet 79189, MedGen C1832200, MONDO:0019234. Disease mechanism: loss of function.

gnomAD v4.1: 2 of 1,606,110 alleles (0.00012%); highest among the groups gnomAD compares: South Asian, 0.0011%; no homozygotes.

Submission:

Labcorp Genetics (formerly Invitae), Labcorp
Classification: Uncertain significance for Peroxisome biogenesis disorder. Last evaluated: 2022-06-22. Review status: criteria provided, single submitter. Criteria: Invitae Variant Classification Sherloc (09022015). Collection method: clinical testing. Allele origin: germline.
Comment: This sequence change replaces arginine, which is basic and polar, with leucine, which is neutral and non-polar, at codon 575 of the PEX6 protein (p.Arg575Leu). This variant is not present in population databases (gnomAD no frequency). This variant has not been reported in the literature in individuals affected with PEX6-related conditions. Algorithms developed to predict the effect of missense changes on protein structure and function (SIFT, PolyPhen-2, Align-GVGD) all suggest that this variant is likely to be tolerated. In summary, the available evidence is currently insufficient to determine the role of this variant in disease. Therefore, it has been classified as a Variant of Uncertain Significance.